The following is an entry in ClinVar:

NM_001182.5(ALDH7A1):c.739A>G (p.Ile247Val)

Gene: ALDH7A1 (aldehyde dehydrogenase 7 family member A1; minus strand). Cytogenetic location: 5q23.2.
Variant type: single nucleotide variant.
Coding change: c.739A>G on transcript NM_001182.5 (MANE Select); coding-DNA position 739, A replaced by G.
Protein change: p.Ile247Val; replaces isoleucine 247 with valine.
Molecular consequence: missense variant.
Genome position (GRCh38, 1-based): chr5:126,570,816, T>C on the plus strand (A>G on the coding strand, the complement: ALDH7A1 is on the minus strand). VCF-style: chr5-126570816-T-C. GRCh37 (hg19) VCF-style: chr5-125906508-T-C.
Other names: c.739A>G (NM_001182.4); c.655A>G, p.Ile219Val (NM_001201377.2); c.739A>G, p.Ile247Val (NM_001202404.2); short protein forms I219V, I247V.
Identifiers: ClinVar variation 2015428 (VCV002015428.5), dbSNP rs2480304642, ClinGen allele CA360730168.

ClinVar aggregate classification (germline): Uncertain significance. Review status: criteria provided, multiple submitters, no conflicts (2 of 4 stars). 2 submissions from 2 submitters: Uncertain significance (2). Last evaluated 2025-08-24.

Conditions:
Inborn genetic diseases. Identifiers: MedGen C0950123, MeSH D030342.
Pyridoxine-dependent epilepsy (EPEO4). Also called: PYRIDOXINE DEPENDENCY WITH SEIZURES; Pyridoxine-Dependent Seizures; Pyridoxine-Dependent Epilepsy - ALDH7A1; EPILEPSY, EARLY-ONSET, 4, VITAMIN B6-DEPENDENT. Identifiers: Orphanet 3006, MedGen C1849508, MONDO:0009945, OMIM 266100. Disease mechanism: loss of function.

Submissions (2):

Ambry Genetics
Classification: Uncertain significance for Inborn genetic diseases. Last evaluated: 2025-08-24. Review status: criteria provided, single submitter. Criteria: Ambry Variant Classification Scheme 2023. Collection method: clinical testing. Allele origin: germline.

Labcorp Genetics (formerly Invitae), Labcorp
Classification: Uncertain significance for Pyridoxine-dependent epilepsy. Last evaluated: 2022-07-09. Review status: criteria provided, single submitter. Criteria: Invitae Variant Classification Sherloc (09022015). Collection method: clinical testing. Allele origin: germline.
Comment: In summary, the available evidence is currently insufficient to determine the role of this variant in disease. Therefore, it has been classified as a Variant of Uncertain Significance. Advanced modeling of protein sequence and biophysical properties (such as structural, functional, and spatial information, amino acid conservation, physicochemical variation, residue mobility, and thermodynamic stability) performed at Invitae indicates that this missense variant is not expected to disrupt ALDH7A1 protein function. This variant has not been reported in the literature in individuals affected with ALDH7A1-related conditions. This variant is not present in population databases (gnomAD no frequency). This sequence change replaces isoleucine, which is neutral and non-polar, with valine, which is neutral and non-polar, at codon 247 of the ALDH7A1 protein (p.Ile247Val).